The following is an entry in ClinVar:

NM_000059.4(BRCA2):c.729T>C (p.Asn243=)

Gene: BRCA2 (BRCA2 DNA repair associated; plus strand). Cytogenetic location: 13q13.1.
Variant type: single nucleotide variant.
Coding change: c.729T>C on transcript NM_000059.4 (MANE Select); coding-DNA position 729, T replaced by C.
Protein change: p.Asn243=; no amino-acid change (asparagine 243 retained).
Molecular consequence: synonymous variant.
Genome position (GRCh38, 1-based): chr13:32,330,966, T>C. VCF-style: chr13-32330966-T-C. GRCh37 (hg19) VCF-style: chr13-32905103-T-C.
Identifiers: ClinVar variation 672122 (VCV000672122.1), dbSNP rs1593890207, ClinGen allele CA483274435.
Genomic context (GRCh38, chr13:32,330,966, plus strand): 5'-ATAATTTTTGCAGAATGTGAAAAGCTATTTTTCCAATCATGATGAAAGTCTGAAGAAAAA[T>C]GATAGATTTATCGCTTCTGTGACAGACAGTGAAAACACAAATCAAAGAGAAGCTGCAAGT-3'
Protein context (NP_000050.3, residues 233-253): FSNHDESLKK[Asn243=]DRFIASVTDS

ClinVar aggregate classification (germline): Likely benign (1 of 4 stars; one submission).

Submission:

GeneDx
Classification: Likely benign. Last evaluated: 2018-06-07. Review status: criteria provided, single submitter. Criteria: GeneDx Variant Classification (06012015). Collection method: clinical testing. Allele origin: germline. Affected: yes.
Comment: This variant is considered likely benign or benign based on one or more of the following criteria: it is a conservative change, it occurs at a poorly conserved position in the protein, it is predicted to be benign by multiple in silico algorithms, and/or has population frequency not consistent with disease.